The following is an entry in ClinVar:

NM_024675.4(PALB2):c.3112T>C (p.Trp1038Arg)

Gene: PALB2 (partner and localizer of BRCA2; minus strand). Cytogenetic location: 16p12.2.
Variant type: single nucleotide variant.
Coding change: c.3112T>C on transcript NM_024675.4 (MANE Select); coding-DNA position 3112, T replaced by C.
Protein change: p.Trp1038Arg; replaces tryptophan 1038 with arginine.
Molecular consequence: missense variant. On other transcripts: intron variant (1).
Genome position (GRCh38, 1-based): chr16:23,621,363, A>G on the plus strand (T>C on the coding strand, the complement: PALB2 is on the minus strand). VCF-style: chr16-23621363-A-G. GRCh37 (hg19) VCF-style: chr16-23632684-A-G.
Other names: c.3052T>C, p.Trp1018Arg (NM_001407296.1); c.3040T>C, p.Trp1014Arg (NM_001407297.1); c.2950T>C, p.Trp984Arg (NM_001407298.1, NM_001407302.1); c.3112T>C, p.Trp1038Arg (NM_001407299.1, NM_001407301.1); c.2227T>C, p.Trp743Arg (NM_001407304.1, NM_001407305.1, NM_001407306.1 and 4 more transcripts); c.2065T>C, p.Trp689Arg (NM_001407307.1); c.1324T>C, p.Trp442Arg (NM_001407312.1, NM_001407313.1); c.646T>C, p.Trp216Arg (NM_001407314.1); and 1 more; short protein forms W442R, W984R, W1038R, W216R, W689R, W1014R, W743R, W1018R.
Identifiers: ClinVar variation 3722036 (VCV003722036.2).

ClinVar aggregate classification (germline): Uncertain significance (1 of 4 stars; one submission).

Conditions:
Familial cancer of breast. Also called: BREAST CANCER, FAMILIAL; Hereditary breast cancer; hereditary breast carcinoma. Identifiers: Orphanet 227535, MedGen C0346153, MONDO:0016419, OMIM 114480. Disease mechanism: loss of function.

Submission:

Labcorp Genetics (formerly Invitae), Labcorp
Classification: Uncertain significance for Familial cancer of breast. Last evaluated: 2024-10-02. Review status: criteria provided, single submitter. Criteria: Invitae Variant Classification Sherloc (09022015). Collection method: clinical testing. Allele origin: germline.
Comment: This sequence change replaces tryptophan, which is neutral and slightly polar, with arginine, which is basic and polar, at codon 1038 of the PALB2 protein (p.Trp1038Arg). This variant is not present in population databases (gnomAD no frequency). This variant has not been reported in the literature in individuals affected with PALB2-related conditions. An algorithm developed to predict the effect of missense changes on protein structure and function (PolyPhen-2) suggests that this variant is likely to be tolerated. In summary, the available evidence is currently insufficient to determine the role of this variant in disease. Therefore, it has been classified as a Variant of Uncertain Significance.